The following is an entry in ClinVar:

NM_000455.5(STK11):c.1010T>C (p.Val337Ala)

Genes: STK11 (serine/threonine kinase 11; plus strand), LOC130062899 (ATAC-STARR-seq lymphoblastoid active region 13597; plus strand). Cytogenetic location: 19p13.3.
Variant type: single nucleotide variant.
Coding change: c.1010T>C on transcript NM_000455.5 (MANE Select); coding-DNA position 1010, T replaced by C.
Protein change: p.Val337Ala; replaces valine 337 with alanine.
Molecular consequence: missense variant.
Genome position (GRCh38, 1-based): chr19:1,223,074, T>C. VCF-style: chr19-1223074-T-C. GRCh37 (hg19) VCF-style: chr19-1223073-T-C.
Other names: short protein forms V337A.
Identifiers: ClinVar variation 822007 (VCV000822007.10), dbSNP rs1272426209, ClinGen allele CA402951704.

ClinVar aggregate classification (germline): Uncertain significance. Review status: criteria provided, multiple submitters, no conflicts (2 of 4 stars). 2 submissions from 2 submitters: Uncertain significance (2). Last evaluated 2021-11-12.

Conditions:
Hereditary cancer-predisposing syndrome. Also called: Hereditary Cancer Syndrome; Neoplastic Syndromes, Hereditary; Hereditary neoplastic syndrome; Tumor predisposition. Identifiers: Orphanet 140162, MedGen C0027672, MeSH D009386, MONDO:0015356.
Peutz-Jeghers syndrome (PJS). Also called: Peutz-Jeghers polyposis; Periorificial lentiginosis syndrome; POLYPOSIS, HAMARTOMATOUS INTESTINAL; POLYPS-AND-SPOTS SYNDROME. Identifiers: Orphanet 2869, MedGen C0031269, MeSH D010580, MONDO:0008280, OMIM 175200.

Allele frequency attached by ClinVar (database versions not stated): gnomAD exomes below 0.00001.
gnomAD v4.1: 2 of 1,608,008 alleles (0.00012%); no homozygotes.

Submissions (2):

Labcorp Genetics (formerly Invitae), Labcorp
Classification: Uncertain significance for Peutz-Jeghers syndrome. Last evaluated: 2021-11-12. Review status: criteria provided, single submitter. Criteria: Invitae Variant Classification Sherloc (09022015). Collection method: clinical testing. Allele origin: germline.
Comment: In summary, the available evidence is currently insufficient to determine the role of this variant in disease. Therefore, it has been classified as a Variant of Uncertain Significance. Advanced modeling of protein sequence and biophysical properties (such as structural, functional, and spatial information, amino acid conservation, physicochemical variation, residue mobility, and thermodynamic stability) performed at Invitae indicates that this missense variant is not expected to disrupt STK11 protein function. ClinVar contains an entry for this variant (Variation ID: 822007). This variant has not been reported in the literature in individuals affected with STK11-related conditions. The frequency data for this variant in the population databases is considered unreliable, as metrics indicate poor data quality at this position in the gnomAD database. This sequence change replaces valine, which is neutral and non-polar, with alanine, which is neutral and non-polar, at codon 337 of the STK11 protein (p.Val337Ala).

Ambry Genetics
Classification: Uncertain significance for Hereditary cancer-predisposing syndrome. Last evaluated: 2019-01-07. Review status: criteria provided, single submitter. Criteria: Ambry Variant Classification Scheme 2023. Collection method: clinical testing. Allele origin: germline.
Comment: The p.V337A variant (also known as c.1010T>C), located in coding exon 8 of the STK11 gene, results from a T to C substitution at nucleotide position 1010. The valine at codon 337 is replaced by alanine, an amino acid with similar properties. This amino acid position is well conserved in available vertebrate species. In addition, this alteration is predicted to be tolerated by in silico analysis. Since supporting evidence is limited at this time, the clinical significance of this alteration remains unclear.